The following is an entry in ClinVar:

ClinVar aggregate classification (germline): Uncertain significance. Review status: criteria provided, multiple submitters, no conflicts (2 of 4 stars). 3 submissions from 3 submitters: Uncertain significance (3). Last evaluated 2025-03-25.

Conditions:
Erythrocytosis, familial, 3 (ECYT3). Identifiers: Orphanet 247511, MedGen C1853286, MONDO:0012353, OMIM 609820.

Submissions (3):

Labcorp Genetics (formerly Invitae), Labcorp
Classification: Uncertain significance for Erythrocytosis, familial, 3. Last evaluated: 2025-03-25. Review status: criteria provided, single submitter. Criteria: Invitae Variant Classification Sherloc (09022015). Collection method: clinical testing. Allele origin: germline.
Comment: This sequence change replaces lysine, which is basic and polar, with asparagine, which is neutral and polar, at codon 115 of the EGLN1 protein (p.Lys115Asn). This variant is not present in population databases (gnomAD no frequency). This variant has not been reported in the literature in individuals affected with EGLN1-related conditions. ClinVar contains an entry for this variant (Variation ID: 1418426). An algorithm developed to predict the effect of missense changes on protein structure and function (PolyPhen-2) suggests that this variant is likely to be tolerated. In summary, the available evidence is currently insufficient to determine the role of this variant in disease. Therefore, it has been classified as a Variant of Uncertain Significance.

ARUP Laboratories, Molecular Genetics and Genomics, ARUP Laboratories
Classification: Uncertain significance. Last evaluated: 2024-08-16. Review status: criteria provided, single submitter. Criteria: ARUP Molecular Germline Variant Investigation Process 2024. Collection method: clinical testing. Allele origin: germline.
Comment: The EGLN1 c.345G>C; p.Lys115Asn variant (rs1307321781), to our knowledge, is not reported in the medical literature but is reported in ClinVar (Variation ID: 1418426). This variant is also absent from the Genome Aggregation Database (v2.1.1), indicating it is not a common polymorphism. Computational analyses are uncertain whether this variant is neutral or deleterious (REVEL: 0.212). Due to limited information, the clinical significance of this variant is uncertain at this time.

Ambry Genetics
Classification: Uncertain significance. Last evaluated: 2024-07-05. Review status: criteria provided, single submitter. Criteria: Ambry Variant Classification Scheme 2023. Collection method: clinical testing. Allele origin: germline.
Comment: The p.K115N variant (also known as c.345G>C), located in coding exon 1 of the EGLN1 gene, results from a G to C substitution at nucleotide position 345. The lysine at codon 115 is replaced by asparagine, an amino acid with similar properties. This amino acid position is conserved. In addition, this alteration is predicted to be tolerated by in silico analysis. Based on the available evidence, the clinical significance of this variant remains unclear.

NM_022051.3(EGLN1):c.345G>C (p.Lys115Asn)

Gene: EGLN1 (egl-9 family hypoxia inducible factor 1; minus strand). Cytogenetic location: 1q42.2.
Variant type: single nucleotide variant.
Coding change: c.345G>C on transcript NM_022051.3 (MANE Select); coding-DNA position 345, G replaced by C.
Protein change: p.Lys115Asn; replaces lysine 115 with asparagine.
Molecular consequence: missense variant.
Genome position (GRCh38, 1-based): chr1:231,421,544, C>G on the plus strand (G>C on the coding strand, the complement: EGLN1 is on the minus strand). VCF-style: chr1-231421544-C-G. GRCh37 (hg19) VCF-style: chr1-231557290-C-G.
Other names: c.345G>C, p.Lys115Asn (NM_001377260.1, NM_001377261.1); c.345G>C (NM_022051.2); short protein forms K115N.
Identifiers: ClinVar variation 1418426 (VCV001418426.8), dbSNP rs1307321781, ClinGen allele CA345237555.